The following is an entry in ClinVar:

NM_001354768.3(NRL):c.125C>A (p.Thr42Lys)

Gene: NRL (neural retina leucine zipper; minus strand). Cytogenetic location: 14q11.2.
Variant type: single nucleotide variant.
Coding change: c.125C>A on transcript NM_001354768.3 (MANE Select); coding-DNA position 125, C replaced by A.
Protein change: p.Thr42Lys; replaces threonine 42 with lysine.
Molecular consequence: missense variant. On other transcripts: intron variant (1).
Genome position (GRCh38, 1-based): chr14:24,082,724, G>T on the plus strand (C>A on the coding strand, the complement: NRL is on the minus strand). VCF-style: chr14-24082724-G-T. GRCh37 (hg19) VCF-style: chr14-24551933-G-T.
Other names: c.125C>A, p.Thr42Lys (NM_001354769.1, NM_006177.5); c.66+59C>A (NM_001354770.2); short protein forms T42K.
Identifiers: ClinVar variation 1007303 (VCV001007303.8), dbSNP rs1187752040, ClinGen allele CA389281979.

ClinVar aggregate classification (germline): Uncertain significance (1 of 4 stars; one submission).

Submission:

Labcorp Genetics (formerly Invitae), Labcorp
Classification: Uncertain significance. Last evaluated: 2020-05-21. Review status: criteria provided, single submitter. Criteria: Invitae Variant Classification Sherloc (09022015). Collection method: clinical testing. Allele origin: germline.
Comment: In summary, the available evidence is currently insufficient to determine the role of this variant in disease. Therefore, it has been classified as a Variant of Uncertain Significance. Algorithms developed to predict the effect of missense changes on protein structure and function (SIFT, PolyPhen-2, Align-GVGD) all suggest that this variant is likely to be disruptive, but these predictions have not been confirmed by published functional studies and their clinical significance is uncertain. This variant has not been reported in the literature in individuals with NRL-related conditions. This variant is not present in population databases (ExAC no frequency). This sequence change replaces threonine with lysine at codon 42 of the NRL protein (p.Thr42Lys). The threonine residue is highly conserved and there is a moderate physicochemical difference between threonine and lysine.